The following is an entry in ClinVar:

ClinVar aggregate classification (germline): Uncertain significance (1 of 4 stars; one submission).

Conditions:
Sphingolipid activator protein 1 deficiency. Also called: Metachromatic leukodystrophy due to saposin B deficiency; METACHROMATIC LEUKODYSTROPHY DUE TO CEREBROSIDE SULFATASE ACTIVATOR DEFICIENCY; Saposin B Deficiency. Identifiers: Orphanet 512, MedGen C0268262, MONDO:0009590, OMIM 249900.

Allele frequency attached by ClinVar (database versions not stated): gnomAD 0.00001; TOPMed 0.00001; gnomAD exomes 0.00003.
gnomAD v4.1: 40 of 1,611,862 alleles (0.0025%); highest among the groups gnomAD compares: Non-Finnish European, 0.0031%; no homozygotes.

Submission:

Labcorp Genetics (formerly Invitae), Labcorp
Classification: Uncertain significance for Sphingolipid activator protein 1 deficiency. Last evaluated: 2022-08-16. Review status: criteria provided, single submitter. Criteria: Invitae Variant Classification Sherloc (09022015). Collection method: clinical testing. Allele origin: germline.
Comment: This sequence change falls in intron 13 of the PSAP gene. It does not directly change the encoded amino acid sequence of the PSAP protein. It affects a nucleotide within the consensus splice site. This variant is present in population databases (no rsID available, gnomAD 0.0009%). This variant has not been reported in the literature in individuals affected with PSAP-related conditions. Variants that disrupt the consensus splice site are a relatively common cause of aberrant splicing (PMID: 17576681, 9536098). Algorithms developed to predict the effect of sequence changes on RNA splicing suggest that this variant may disrupt the consensus splice site. In summary, the available evidence is currently insufficient to determine the role of this variant in disease. Therefore, it has been classified as a Variant of Uncertain Significance.

Literature cited by the submitters: PubMed 17576681; PubMed 9536098.

NM_002778.4(PSAP):c.1539+6T>G

Gene: PSAP (prosaposin; minus strand). Cytogenetic location: 10q22.1.
Variant type: single nucleotide variant.
Coding change: c.1539+6T>G on transcript NM_002778.4 (MANE Select); 6 bases into the intron after coding-DNA position 1539, T replaced by G.
Molecular consequence: intron variant.
Genome position (GRCh38, 1-based): chr10:71,818,611, A>C on the plus strand (T>G on the coding strand, the complement: PSAP is on the minus strand). VCF-style: chr10-71818611-A-C. GRCh37 (hg19) VCF-style: chr10-73578368-A-C.
Other names: c.1545+6T>G (NM_001042466.3); c.1548+6T>G (NM_001042465.3).
Identifiers: ClinVar variation 2186547 (VCV002186547.1), dbSNP rs1486410213, ClinGen allele CA594308561.